The following is an entry in ClinVar:

ClinVar aggregate classification (germline): Uncertain significance (1 of 4 stars; one submission).

gnomAD v4.1: 1 of 1,613,016 alleles (0.000062%); highest among the groups gnomAD compares: South Asian, 0.0011%; no homozygotes.

Submission:

GeneDx
Classification: Uncertain significance. Last evaluated: 2026-03-26. Review status: criteria provided, single submitter. Criteria: GeneDx Variant Classification Process June 2021. Collection method: clinical testing. Allele origin: germline.
Comment: Not observed at significant frequency in large population cohorts (gnomAD); In silico analysis suggests that this missense variant does not alter protein structure/function; Has not been previously published as pathogenic or benign to our knowledge

NM_024757.5(EHMT1):c.218C>G (p.Thr73Ser)

Gene: EHMT1 (euchromatic histone lysine methyltransferase 1; plus strand). Cytogenetic location: 9q34.3.
Variant type: single nucleotide variant.
Coding change: c.218C>G on transcript NM_024757.5 (MANE Select); coding-DNA position 218, C replaced by G.
Protein change: p.Thr73Ser; replaces threonine 73 with serine.
Molecular consequence: missense variant.
Genome position (GRCh38, 1-based): chr9:137,716,758, C>G. VCF-style: chr9-137716758-C-G. GRCh37 (hg19) VCF-style: chr9-140611210-C-G.
Other names: c.218C>G, p.Thr73Ser (NM_001145527.2, NM_001354263.2, NM_001354611.2); c.125C>G, p.Thr42Ser (NM_001354259.2, NM_001354612.2); short protein forms T42S, T73S.
Identifiers: ClinVar variation 5017601 (VCV005017601.1).
Genomic context (GRCh38, chr9:137,716,758, plus strand): 5'-AGACCAATGGGTCTTGTGAAAACAGCGATGCCAGCAGTCATGCAAATGCTGCAAAGCACA[C>G]TCAGGACAGCGCAAGGGTCAACCCCCAGGATGGCACCAACACACTAACTCGGATAGCGGA-3'
Protein context (NP_079033.4, residues 63-83): ASSHANAAKH[Thr73Ser]QDSARVNPQD